The following is an entry in ClinVar:

ClinVar aggregate classification (germline): Pathogenic (1 of 4 stars; one submission).

Conditions:
Primary ciliary dyskinesia. Also called: Ciliary dyskinesia. Identifiers: Orphanet 244, MedGen C0008780, MONDO:0016575, HP:0012265.

Submission:

Labcorp Genetics (formerly Invitae), Labcorp
Classification: Pathogenic for Primary ciliary dyskinesia. Last evaluated: 2023-10-07. Review status: criteria provided, single submitter. Criteria: Invitae Variant Classification Sherloc (09022015). Collection method: clinical testing. Allele origin: germline.
Comment: This sequence change creates a premature translational stop signal (p.Gln3579*) in the DNAH5 gene. It is expected to result in an absent or disrupted protein product. Loss-of-function variants in DNAH5 are known to be pathogenic (PMID: 11788826, 16627867). This variant is not present in population databases (gnomAD no frequency). This variant has not been reported in the literature in individuals affected with DNAH5-related conditions. For these reasons, this variant has been classified as Pathogenic.

Literature cited by the submitters: PubMed 11788826; PubMed 16627867.

NM_001369.3(DNAH5):c.10735C>T (p.Gln3579Ter)

Gene: DNAH5 (dynein axonemal heavy chain 5; minus strand). Cytogenetic location: 5p15.2.
Variant type: single nucleotide variant.
Coding change: c.10735C>T on transcript NM_001369.3 (MANE Select); coding-DNA position 10735, C replaced by T.
Protein change: p.Gln3579Ter; replaces glutamine 3579 with a stop codon.
Molecular consequence: nonsense.
Genome position (GRCh38, 1-based): chr5:13,753,370, G>A on the plus strand (C>T on the coding strand, the complement: DNAH5 is on the minus strand). VCF-style: chr5-13753370-G-A. GRCh37 (hg19) VCF-style: chr5-13753479-G-A.
Other names: short protein forms Q3579*.
Identifiers: ClinVar variation 2766702 (VCV002766702.3), dbSNP rs2546615030, ClinGen allele CA359191512.
Genomic context (GRCh38, chr5:13,753,370, plus strand): 5'-GAGATGCCTTCGTGACAATAATTCCATTTTGAATGGACAAGTCATCATTTGGCAGACCTT[G>A]GAGGTTCCATTCACTAATAGTAGGAGCATCAATCAACATCTCACTGAGATTTAGGTTCTT-3'